The following is an entry in ClinVar:

ClinVar aggregate classification (germline): Uncertain significance (1 of 4 stars; one submission).

Conditions:
Joubert syndrome. Also called: JOUBERT-BOLTSHAUSER SYNDROME; Familial aplasia of the vermis. Identifiers: Orphanet 475, MedGen C5979921, MONDO:0018772.
Meckel-Gruber syndrome. Also called: DYSENCEPHALIA SPLANCHNOCYSTICA; GRUBER SYNDROME; Dysencephalia splachnocystica. Identifiers: Orphanet 564, MedGen C0265215, MONDO:0018921.

Allele frequency attached by ClinVar (database versions not stated): TOPMed below 0.00001; gnomAD 0.00001.
gnomAD v4.1: 9 of 1,608,288 alleles (0.00056%); highest among the groups gnomAD compares: Non-Finnish European, 0.00068%; no homozygotes.

Submission:

Labcorp Genetics (formerly Invitae), Labcorp
Classification: Uncertain significance for Joubert syndrome; Meckel-Gruber syndrome. Last evaluated: 2020-12-04. Review status: criteria provided, single submitter. Criteria: Invitae Variant Classification Sherloc (09022015). Collection method: clinical testing. Allele origin: germline.
Comment: In summary, the available evidence is currently insufficient to determine the role of this variant in disease. Therefore, it has been classified as a Variant of Uncertain Significance. Advanced modeling of protein sequence and biophysical properties (such as structural, functional, and spatial information, amino acid conservation, physicochemical variation, residue mobility, and thermodynamic stability) performed at Invitae indicates that this missense variant is not expected to disrupt CC2D2A protein function. This variant has not been reported in the literature in individuals with CC2D2A-related conditions. This variant is not present in population databases (ExAC no frequency). This sequence change replaces glycine with arginine at codon 94 of the CC2D2A protein (p.Gly94Arg). The glycine residue is moderately conserved and there is a moderate physicochemical difference between glycine and arginine.

NM_001378615.1(CC2D2A):c.280G>C (p.Gly94Arg)

Genes: CC2D2A (coiled-coil and C2 domain containing 2A; plus strand), FBXL5 (F-box and leucine rich repeat protein 5; minus strand). Cytogenetic location: 4p15.32.
Variant type: single nucleotide variant.
Coding change: c.280G>C on transcript NM_001378615.1 (MANE Select); coding-DNA position 280, G replaced by C.
Protein change: p.Gly94Arg; replaces glycine 94 with arginine.
Molecular consequence: missense variant.
Genome position (GRCh38, 1-based): chr4:15,502,461, G>C. VCF-style: chr4-15502461-G-C. GRCh37 (hg19) VCF-style: chr4-15504084-G-C.
Other names: c.280G>C, p.Gly94Arg (NM_001080522.2); c.133G>C, p.Gly45Arg (NM_001378617.1); short protein forms G94R, G45R.
Identifiers: ClinVar variation 1464307 (VCV001464307.8), dbSNP rs1435144536, ClinGen allele CA356408106.